The following is an entry in ClinVar:

ClinVar aggregate classification (germline): Uncertain significance (1 of 4 stars; one submission).

Conditions:
Hao-Fountain syndrome due to USP7 mutation. Also called: USP7-Related Hao Fountain Syndrome. Identifiers: Orphanet 643538, MedGen C5816734, MONDO:0958071, OMIM 616863.

Submission:

3billion
Classification: Uncertain significance for Hao-Fountain syndrome due to USP7 mutation. Last evaluated: 2024-07-24. Review status: criteria provided, single submitter. Criteria: ACMG Guidelines, 2015. Collection method: clinical testing. Allele origin: germline. Affected: yes.
Comment: The variant is not observed in the gnomAD v4.0.0 dataset. Predicted Consequence/Location: Missense variant In silico tool predictions suggest damaging effect of the variant on gene or gene product [3Cnet: 0.75 (>=0.6, sensitivity 0.72 and precision 0.9)]. Therefore, this variant is classified as VUS according to the recommendation of ACMG/AMP guideline.

NM_003470.3(USP7):c.1053G>C (p.Gln351His)

Gene: USP7 (ubiquitin specific peptidase 7; minus strand). Cytogenetic location: 16p13.2.
Variant type: single nucleotide variant.
Coding change: c.1053G>C on transcript NM_003470.3 (MANE Select); coding-DNA position 1053, G replaced by C.
Protein change: p.Gln351His; replaces glutamine 351 with histidine.
Molecular consequence: missense variant. On other transcripts: non-coding transcript variant (1).
Genome position (GRCh38, 1-based): chr16:8,915,279, C>G on the plus strand (G>C on the coding strand, the complement: USP7 is on the minus strand). VCF-style: chr16-8915279-C-G. GRCh37 (hg19) VCF-style: chr16-9009136-C-G.
Other names: c.1005G>C, p.Gln335His (NM_001286457.2); c.756G>C, p.Gln252His (NM_001286458.2); c.879G>C, p.Gln293His (NM_001321858.2); short protein forms Q252H, Q293H, Q335H, Q351H.
Identifiers: ClinVar variation 4293667 (VCV004293667.1).
Genomic context (GRCh38, chr16:8,915,279, plus strand): 5'-AAAAGATCATGCCATTAGATACACACAACACTTACTATTTTTCTTTCCTTTGATACTTAG[C>G]TGGATATCATAATAATCTTCTCTTCTATCAGACCGATAGTCTACTTCTTTACACTGGATA-3'
Protein context (NP_003461.2, residues 341-361): SDRREDYYDI[Gln351His]LSIKGKKNIF